The following is an entry in ClinVar:

NM_000059.3:c.2484_2485insALU

Gene: BRCA2 (BRCA2 DNA repair associated; plus strand).
Variant type: Insertion.
Identifiers: ClinVar variation 3261549 (VCV003261549.1).

ClinVar aggregate classification (germline): Likely pathogenic (1 of 4 stars; one submission).

Conditions:
Hereditary cancer-predisposing syndrome. Also called: Hereditary Cancer Syndrome; Tumor predisposition; Hereditary neoplastic syndrome; Neoplastic Syndromes, Hereditary. Identifiers: Orphanet 140162, MedGen C0027672, MeSH D009386, MONDO:0015356.

Submission:

Ambry Genetics
Classification: Likely pathogenic for Hereditary cancer-predisposing syndrome. Last evaluated: 2024-03-29. Review status: criteria provided, single submitter. Criteria: Ambry Variant Classification Scheme 2023. Collection method: clinical testing. Allele origin: germline.
Comment: The c.2484_2485insAlu likely pathogenic variant results from the insertion of an Alu element between nucleotides 2484 and 2485 in coding exon 10 of the BRCA2 gene. Mobile element insertions contribute to pathogenicity by either disrupting the coding sequence or inducing aberrant splicing (Belancio VP et al. Semin. Cancer Biol. 2010 Aug;20:200-10; Deininger P et al. Genome Biol. 2011 Dec;12:236; van der Klift HM Hum Mutat. 2012 Jul;33(7):1051-5). Multiple Alu element insertions have been reported in coding exon 10 of the BRCA2 gene (also called Exon 11) (Qian Y et al. Cancer Genet. 2017 Oct;216-217:159-169). Based on the majority of available evidence to date, this variant is likely to be pathogenic.